The following is an entry in ClinVar:

NM_004360.5(CDH1):c.595A>T (p.Thr199Ser)

Gene: CDH1 (cadherin 1; plus strand). Cytogenetic location: 16q22.1.
Variant type: single nucleotide variant.
Coding change: c.595A>T on transcript NM_004360.5 (MANE Select); coding-DNA position 595, A replaced by T.
Protein change: p.Thr199Ser; replaces threonine 199 with serine.
Molecular consequence: missense variant. On other transcripts: 5 prime UTR variant (2).
Genome position (GRCh38, 1-based): chr16:68,808,756, A>T. VCF-style: chr16-68808756-A-T. GRCh37 (hg19) VCF-style: chr16-68842659-A-T.
Other names: c.595A>T (LRG_301t1); c.595A>T, p.Thr199Ser (NM_001317184.2); c.-1021A>T (NM_001317185.2); c.-1225A>T (NM_001317186.2); short protein forms T199S.
Identifiers: ClinVar variation 230166 (VCV000230166.25), dbSNP rs876658424, ClinGen allele CA10580087.

ClinVar aggregate classification (germline): Conflicting classifications of pathogenicity. Review status: criteria provided, conflicting classifications (1 of 4 stars). 6 submissions from 6 submitters: Uncertain significance (5); Benign (1). Last evaluated 2026-01-13.

Conditions:
Hereditary cancer-predisposing syndrome. Also called: Hereditary Cancer Syndrome; Neoplastic Syndromes, Hereditary; Tumor predisposition; Hereditary neoplastic syndrome. Identifiers: Orphanet 140162, MedGen C0027672, MeSH D009386, MONDO:0015356.
Hereditary diffuse gastric adenocarcinoma (HDGC). Also called: DIFFUSE GASTRIC AND LOBULAR BREAST CANCER SYNDROME. Identifiers: Orphanet 26106, MedGen C1708349, MONDO:0007648, OMIM 137215.

Allele frequency attached by ClinVar (database versions not stated): gnomAD 0.00001; gnomAD exomes 0.00001; TOPMed 0.00001.
gnomAD v4.1: 5 of 1,614,050 alleles (0.00031%); highest among the groups gnomAD compares: African/African-American, 0.0067%; no homozygotes.

Submissions (6):

Labcorp Genetics (formerly Invitae), Labcorp
Classification: Uncertain significance for Hereditary diffuse gastric adenocarcinoma. Last evaluated: 2026-01-13. Review status: criteria provided, single submitter. Criteria: Invitae Variant Classification Sherloc (09022015). Collection method: clinical testing. Allele origin: germline.
Comment: This sequence change replaces threonine, which is neutral and polar, with serine, which is neutral and polar, at codon 199 of the CDH1 protein (p.Thr199Ser). This variant is present in population databases (no rsID available, gnomAD 0.02%). This missense change has been observed in individual(s) with a Lynch syndrome-associated cancer and/or colorectal polyps (PMID: 25980754). ClinVar contains an entry for this variant (Variation ID: 230166). An algorithm developed to predict the effect of missense changes on protein structure and function outputs the following: PolyPhen-2: "Benign". The serine amino acid residue is found in multiple mammalian species, which suggests that this missense change does not adversely affect protein function. In summary, the available evidence is currently insufficient to determine the role of this variant in disease. Therefore, it has been classified as a Variant of Uncertain Significance.

Quest Diagnostics Nichols Institute San Juan Capistrano
Classification: Uncertain significance. Last evaluated: 2024-07-24. Review status: criteria provided, single submitter. Criteria: Quest Diagnostics criteria. Collection method: clinical testing. Allele origin: unknown.
Comment: The CDH1 c.595A>T (p.Thr199Ser) variant has been reported in the published literature in an individual with suspected Lynch syndrome (PMID: 25980754 (2015)).The frequency of this variant in the general population, 0.00016 (4/24970 chromosomes in African/African American subpopulation (Genome Aggregation Database)), is higher than would generally be expected for pathogenic variants in this gene. Analysis of this variant using bioinformatics tools for the prediction of the effect of amino acid changes on protein structure and function yielded predictions that this variant is benign. Based on the available information, we are unable to determine the clinical significance of this variant.

Ambry Genetics
Classification: Benign for Hereditary cancer-predisposing syndrome. Last evaluated: 2024-02-22. Review status: criteria provided, single submitter. Criteria: Ambry Variant Classification Scheme 2023. Collection method: clinical testing. Allele origin: germline.

Color Diagnostics, LLC DBA Color Health
Classification: Uncertain significance for Hereditary cancer-predisposing syndrome. Last evaluated: 2021-12-19. Review status: criteria provided, single submitter. Criteria: ACMG Guidelines, 2015. Collection method: clinical testing. Allele origin: germline.
Comment: This missense variant replaces threonine with serine at codon 199 of the CDH1 protein. To our knowledge, functional studies have not been reported for this variant. This variant has been reported in an individual suspected on Lynch Syndrome in the literature (PMID: 25980754). This variant has been identified in 4/282656 chromosomes in the general population by the Genome Aggregation Database (gnomAD). The available evidence is insufficient to determine the role of this variant in disease conclusively. Therefore, this variant is classified as a Variant of Uncertain Significance.

Women's Health and Genetics/Laboratory Corporation of America, LabCorp
Classification: Uncertain significance. Last evaluated: 2021-07-04. Review status: criteria provided, single submitter. Criteria: LabCorp Variant Classification Summary - May 2015. Collection method: clinical testing. Allele origin: germline.
Comment: Variant summary: CDH1 c.595A>T (p.Thr199Ser) results in a conservative amino acid change located in the Cadherin-like domain of the encoded protein sequence. Five of five in-silico tools predict a benign effect of the variant on protein function. The variant allele was found at a frequency of 8e-06 in 251252 control chromosomes. The available data on variant occurrences in the general population are insufficient to allow any conclusion about variant significance. c.595A>T has been reported in the literature in an individual with suspected Lynch Syndrome (Yurgelun_2015). These report(s) do not provide unequivocal conclusions about association of the variant with Breast Cancer. To our knowledge, no experimental evidence demonstrating an impact on protein function has been reported. Three clinical diagnostic laboratories have submitted clinical-significance assessments for this variant to ClinVar after 2014 without evidence for independent evaluation. All laboratories classified the variant as uncertain significance. Based on the evidence outlined above, the variant was classified as uncertain significance.

GeneDx
Classification: Uncertain significance. Last evaluated: 2021-02-05. Review status: criteria provided, single submitter. Criteria: GeneDx Variant Classification Process June 2021. Collection method: clinical testing. Allele origin: germline. Affected: yes.
Comment: Not observed at a significant frequency in large population cohorts (Lek 2016); In silico analysis supports that this missense variant does not alter protein structure/function; Observed in individuals with cancer and/or polyps (Yurgelun 2015); This variant is associated with the following publications: (PMID: 25980754)

Literature cited by the submitters: PubMed 25980754 (cited by 4 submitters).